The following is an entry in ClinVar:

NM_000093.5(COL5A1):c.1441G>A (p.Gly481Arg)

Gene: COL5A1 (collagen type V alpha 1 chain; plus strand). Cytogenetic location: 9q34.3.
Variant type: single nucleotide variant.
Coding change: c.1441G>A on transcript NM_000093.5 (MANE Select); coding-DNA position 1441, G replaced by A.
Protein change: p.Gly481Arg; replaces glycine 481 with arginine.
Molecular consequence: missense variant.
Genome position (GRCh38, 1-based): chr9:134,738,755, G>A. VCF-style: chr9-134738755-G-A. GRCh37 (hg19) VCF-style: chr9-137630601-G-A.
Other names: c.1441G>A, p.Gly481Arg (NM_001278074.1); short protein forms G481R.
Identifiers: ClinVar variation 943513 (VCV000943513.5), dbSNP rs1835194865, ClinGen allele CA375441283.

ClinVar aggregate classification (germline): Likely pathogenic (1 of 4 stars; one submission).

Conditions:
Ehlers-Danlos syndrome, classic type, 1 (EDSCL1). Also called: Ehlers-Danlos syndrome, type 1; EHLERS-DANLOS SYNDROME, GRAVIS TYPE; EHLERS-DANLOS SYNDROME, SEVERE CLASSIC TYPE; EDS I; Ehlers-Danlos Syndrome, Classic Type, COL5A1-Related. Identifiers: MedGen C0268335, MONDO:0019567, OMIM 130000.

Submission:

Labcorp Genetics (formerly Invitae), Labcorp
Classification: Likely pathogenic for Ehlers-Danlos syndrome, classic type, 1. Last evaluated: 2025-01-13. Review status: criteria provided, single submitter. Criteria: Invitae Variant Classification Sherloc (09022015). Collection method: clinical testing. Allele origin: germline.
Comment: This sequence change replaces glycine, which is neutral and non-polar, with arginine, which is basic and polar, at codon 481 of the COL5A1 protein (p.Gly481Arg). This variant is not present in population databases (gnomAD no frequency). This missense change has been observed in individual(s) with Ehlers Danlos syndrome (internal data). In at least one individual the variant was observed to be de novo. ClinVar contains an entry for this variant (Variation ID: 943513). Invitae Evidence Modeling of protein sequence and biophysical properties (such as structural, functional, and spatial information, amino acid conservation, physicochemical variation, residue mobility, and thermodynamic stability) has been performed for this missense variant. However, the output from this modeling did not meet the statistical confidence thresholds required to predict the impact of this variant on COL5A1 protein function. In summary, the currently available evidence indicates that the variant is pathogenic, but additional data are needed to prove that conclusively. Therefore, this variant has been classified as Likely Pathogenic.